The following is an entry in ClinVar:

ClinVar aggregate classification (germline): Pathogenic. Review status: criteria provided, single submitter (1 of 4 stars). 2 submissions from 1 submitter: Pathogenic (1). 1 of the submissions does not count toward it. Last evaluated 2022-08-24.

Conditions:
Joubert syndrome. Also called: CEREBELLOPARENCHYMAL DISORDER IV; JOUBERT-BOLTSHAUSER SYNDROME; Familial aplasia of the vermis. Identifiers: Orphanet 475, MedGen C5979921, MONDO:0018772.
Orofaciodigital syndrome I (OFD1). Also called: OFDS I; Papillon-Leage and Psaume Syndrome; Oral-Facial-Digital Syndrome Type I. Identifiers: Orphanet 2750, MedGen C1510460, MONDO:0010702, OMIM 311200.

Submissions (2):

Labcorp Genetics (formerly Invitae), Labcorp
Classification: Pathogenic for Orofaciodigital syndrome I; Joubert syndrome. Last evaluated: 2022-08-24. Review status: criteria provided, single submitter. Criteria: Invitae Variant Classification Sherloc (09022015). Collection method: clinical testing. Allele origin: germline.
Comment: A gross deletion of the genomic region encompassing the full coding sequence of the OFD1 gene has been identified. Loss-of-function variants in OFD1 are known to be pathogenic (PMID: 16783569, 18546297, 27081566). The boundaries of this event are unknown as they extend beyond the assayed region for this gene and therefore may encompass additional genes. Isolated whole-gene deletions of OFD1 have not been reported in the literature. However, larger copy number events that include this gene have been reported (PMID: 23033313). For these reasons, this variant has been classified as Pathogenic.

Labcorp Genetics (formerly Invitae), Labcorp
Classification: Pathogenic. Last evaluated: 2022-10-27. Review status: flagged submission. Criteria: Invitae Variant Classification Sherloc (09022015). Collection method: clinical testing. Allele origin: germline. Not counted in ClinVar's aggregate classification.
Comment: A gross deletion of the genomic region encompassing the full coding sequence of the TRAPPC2 gene has been identified. Loss-of-function variants in TRAPPC2 are known to be pathogenic (PMID: 11349230). The boundaries of this event are unknown as they extend beyond the assayed region for this gene and therefore may encompass additional genes. This variant has not been reported in the literature in individuals affected with TRAPPC2-related conditions. For these reasons, this variant has been classified as Pathogenic.
ClinVar note: Reason: This record appears to be redundant with a more recent record from the same submitter.
ClinVar note: Notes: SCV003794436 appears to be redundant with SCV003791376.

Literature cited by the submitters: PubMed 16783569; PubMed 18546297; PubMed 27081566; PubMed 23033313; PubMed 11349230.

NC_000023.10:g.(?_12885698)_(13787227_?)del

Genes: ATXN3L (ataxin 3 like; minus strand), EGFL6 (EGF like domain multiple 6; plus strand), FAM9C (family with sequence similarity 9 member C; minus strand), OFD1 (OFD1 centriole and centriolar satellite protein; plus strand), RAB9A (RAB9A, member RAS oncogene family; plus strand) and 5 more. Cytogenetic location: Xp22.2.
Variant type: Deletion.
Identifiers: ClinVar variation 2423466 (VCV002423466.5).